The following is an entry in ClinVar:

ClinVar aggregate classification (germline): Likely benign (1 of 4 stars; one submission).

Allele frequency attached by ClinVar (database versions not stated): gnomAD 0.00001; gnomAD exomes 0.00002; TOPMed 0.00003.
gnomAD v4.1: 29 of 1,564,040 alleles (0.0019%); highest among the groups gnomAD compares: East Asian, 0.019%; 1 homozygote.

Submission:

CeGaT Center for Human Genetics Tuebingen
Classification: Likely benign. Last evaluated: 2024-01-01. Review status: criteria provided, single submitter. Criteria: CeGaT Center For Human Genetics Tuebingen Variant Classification Criteria Version 2. Collection method: clinical testing. Allele origin: germline. Affected: yes. Observed: 1 variant allele.
Comment: NRXN3: BP4, BP7

NM_001330195.2(NRXN3):c.282C>T (p.Ala94=)

Gene: NRXN3 (neurexin 3; plus strand). Cytogenetic location: 14q24.3.
Variant type: single nucleotide variant.
Coding change: c.282C>T on transcript NM_001330195.2 (MANE Select); coding-DNA position 282, C replaced by T.
Protein change: p.Ala94=; no amino-acid change (alanine 94 retained).
Molecular consequence: synonymous variant. On other transcripts: non-coding transcript variant (4).
Genome position (GRCh38, 1-based): chr14:78,243,375, C>T. VCF-style: chr14-78243375-C-T. GRCh37 (hg19) VCF-style: chr14-78709718-C-T.
Other names: c.282C>T, p.Ala94= (NM_001366425.1, NM_001366426.1).
Identifiers: ClinVar variation 3026507 (VCV003026507.22), dbSNP rs913585994, ClinGen allele CA264069404.